The following is an entry in ClinVar:

ClinVar aggregate classification (germline): Uncertain significance (1 of 4 stars; one submission).

Allele frequency attached by ClinVar (database versions not stated): TOPMed below 0.00001; gnomAD 0.00001; gnomAD exomes 0.00001.
gnomAD v4.1: 19 of 1,610,602 alleles (0.0012%); highest among the groups gnomAD compares: Admixed American, 0.005%; no homozygotes.

Submission:

Labcorp Genetics (formerly Invitae), Labcorp
Classification: Uncertain significance. Last evaluated: 2023-12-22. Review status: criteria provided, single submitter. Criteria: Invitae Variant Classification Sherloc (09022015). Collection method: clinical testing. Allele origin: germline.
Comment: This sequence change replaces arginine, which is basic and polar, with glutamine, which is neutral and polar, at codon 1193 of the TAOK2 protein (p.Arg1193Gln). This variant is present in population databases (no rsID available, gnomAD 0.006%). This variant has not been reported in the literature in individuals affected with TAOK2-related conditions. ClinVar contains an entry for this variant (Variation ID: 1351880). An algorithm developed to predict the effect of missense changes on protein structure and function (PolyPhen-2) suggests that this variant is likely to be disruptive. In summary, the available evidence is currently insufficient to determine the role of this variant in disease. Therefore, it has been classified as a Variant of Uncertain Significance.

NM_016151.4(TAOK2):c.3578G>A (p.Arg1193Gln)

Gene: TAOK2 (TAO kinase 2; plus strand). Cytogenetic location: 16p11.2.
Variant type: single nucleotide variant.
Coding change: c.3578G>A on transcript NM_016151.4 (MANE Select); coding-DNA position 3578, G replaced by A.
Protein change: p.Arg1193Gln; replaces arginine 1193 with glutamine.
Molecular consequence: missense variant. On other transcripts: intron variant (1).
Genome position (GRCh38, 1-based): chr16:29,987,850, G>A. VCF-style: chr16-29987850-G-A. GRCh37 (hg19) VCF-style: chr16-29999171-G-A.
Other names: c.3239G>A, p.Arg1080Gln (NM_001252043.2); c.2232+1346G>A (NM_004783.4); short protein forms R1080Q, R1193Q.
Identifiers: ClinVar variation 1351880 (VCV001351880.8), dbSNP rs1357616561, ClinGen allele CA395501812.
Genomic context (GRCh38, chr16:29,987,850, plus strand): 5'-CCCCGTGGGCCATCCACACACTGGCCAGCTGGGGCCTGCTTCGGGGTGAACGGCCCACCC[G>A]AATCCCCCGGCTACTACCACGCAGCCAGCGCCAGCTAGGGCCCCCTGCCTCCCGCCAGCC-3'
Protein context (NP_057235.2, residues 1183-1203): WGLLRGERPT[Arg1193Gln]IPRLLPRSQR